The following is an entry in ClinVar:

ClinVar aggregate classification (germline): Uncertain significance. Review status: criteria provided, multiple submitters, no conflicts (2 of 4 stars). 5 submissions from 5 submitters: Uncertain significance (5). Last evaluated 2025-06-09.

Conditions:
Cardiovascular phenotype. Identifiers: MedGen CN230736.
Cardiomyopathy (CMYO). Also called: Cardiomyopathies. Identifiers: Orphanet 167848, MedGen C0878544, MONDO:0004994, HP:0001638. Inheritance: Various modes of inheritance.
Arrhythmogenic right ventricular dysplasia 11. Also called: Arrhythmogenic Right Ventricular Dysplasia/Cardiomyopathy11; ARRHYTHMOGENIC RIGHT VENTRICULAR DYSPLASIA, FAMILIAL, 11; Arrhythmogenic right ventricular dysplasia 11 with mild palmoplantar keratoderma and woolly hair. Identifiers: MedGen C1864850, MONDO:0012506, OMIM 610476.

Allele frequency attached by ClinVar (database versions not stated): gnomAD exomes 0.00001 and below 0.00001; TOPMed 0.00001; 1000 Genomes Project 30x 0.00016; gnomAD 0.00001; 1000 Genomes Project 0.00020; ExAC 0.00001.
gnomAD v4.1: 17 of 1,613,508 alleles (0.0011%); highest among the groups gnomAD compares: Admixed American, 0.0017%; no homozygotes.

Submissions (5):

Labcorp Genetics (formerly Invitae), Labcorp
Classification: Uncertain significance for Arrhythmogenic right ventricular dysplasia 11. Last evaluated: 2025-06-09. Review status: criteria provided, single submitter. Criteria: Invitae Variant Classification Sherloc (09022015). Collection method: clinical testing. Allele origin: germline.
Comment: This sequence change replaces threonine, which is neutral and polar, with isoleucine, which is neutral and non-polar, at codon 368 of the DSC2 protein (p.Thr368Ile). The frequency data for this variant in the population databases is considered unreliable, as metrics indicate poor data quality at this position in the gnomAD database. This variant has not been reported in the literature in individuals affected with DSC2-related conditions. ClinVar contains an entry for this variant (Variation ID: 518483). Invitae Evidence Modeling of protein sequence and biophysical properties (such as structural, functional, and spatial information, amino acid conservation, physicochemical variation, residue mobility, and thermodynamic stability) indicates that this missense variant is not expected to disrupt DSC2 protein function with a negative predictive value of 80%. In summary, the available evidence is currently insufficient to determine the role of this variant in disease. Therefore, it has been classified as a Variant of Uncertain Significance.

Color Diagnostics, LLC DBA Color Health
Classification: Uncertain significance for Cardiomyopathy. Last evaluated: 2024-04-15. Review status: criteria provided, single submitter. Criteria: ACMG Guidelines, 2015. Collection method: clinical testing. Allele origin: germline.
Comment: This missense variant replaces threonine with isoleucine at codon 368 of the DSC2 protein. Computational prediction suggests that this variant may not impact protein structure and function (internally defined REVEL score threshold <= 0.5, PMID: 27666373). To our knowledge, functional studies have not been reported for this variant. This variant has not been reported in individuals affected with DSC2-related disorders in the literature. This variant has been identified in 1/250820 chromosomes in the general population by the Genome Aggregation Database (gnomAD). The available evidence is insufficient to determine the role of this variant in disease conclusively. Therefore, this variant is classified as a Variant of Uncertain Significance.

Fulgent Genetics
Classification: Uncertain significance for Arrhythmogenic right ventricular dysplasia 11. Last evaluated: 2022-02-17. Review status: criteria provided, single submitter. Criteria: ACMG Guidelines, 2015. Collection method: clinical testing. Allele origin: unknown.

Stanford Center for Inherited Cardiovascular Disease, Stanford University
Classification: Uncertain significance. Last evaluated: 2017-10-24. Review status: criteria provided, single submitter. Criteria: ACMG Guidelines, 2015. Collection method: provider interpretation. Allele origin: germline.

Ambry Genetics
Classification: Uncertain significance for Cardiovascular phenotype. Last evaluated: 2017-10-20. Review status: criteria provided, single submitter. Criteria: Ambry Variant Classification Scheme 2023. Collection method: clinical testing. Allele origin: germline.
Comment: The p.T368I variant (also known as c.1103C>T), located in coding exon 9 of the DSC2 gene, results from a C to T substitution at nucleotide position 1103. The threonine at codon 368 is replaced by isoleucine, an amino acid with similar properties. This amino acid position is not well conserved in available vertebrate species. In addition, this alteration is predicted to be tolerated by in silico analysis. Since supporting evidence is limited at this time, the clinical significance of this alteration remains unclear.

NM_024422.6(DSC2):c.1103C>T (p.Thr368Ile)

Gene: DSC2 (desmocollin 2; minus strand). Cytogenetic location: 18q12.1.
Variant type: single nucleotide variant.
Coding change: c.1103C>T on transcript NM_024422.6 (MANE Select); coding-DNA position 1103, C replaced by T.
Protein change: p.Thr368Ile; replaces threonine 368 with isoleucine.
Molecular consequence: missense variant.
Genome position (GRCh38, 1-based): chr18:31,082,398, G>A on the plus strand (C>T on the coding strand, the complement: DSC2 is on the minus strand). VCF-style: chr18-31082398-G-A. GRCh37 (hg19) VCF-style: chr18-28662364-G-A.
Other names: c.1103C>T, p.Thr368Ile (NM_004949.5); short protein forms T368I.
Identifiers: ClinVar variation 518483 (VCV000518483.18), dbSNP rs538663626, ClinGen allele CA029823.